The following is an entry in ClinVar:

ClinVar aggregate classification (germline): Conflicting classifications of pathogenicity. Review status: criteria provided, conflicting classifications (1 of 4 stars). 2 submissions from 2 submitters: Uncertain significance (1); Likely benign (1). Last evaluated 2025-12-01.

gnomAD v4.1: 9,086 of 1,409,610 alleles (0.64%); highest among the groups gnomAD compares: Middle Eastern, 1.1%; 45 homozygotes.

Submissions (2):

CeGaT Center for Human Genetics Tuebingen
Classification: Likely benign. Last evaluated: 2025-12-01. Review status: criteria provided, single submitter. Criteria: CeGaT Center For Human Genetics Tuebingen Variant Classification Criteria Version 2. Collection method: clinical testing. Allele origin: germline. Affected: yes. Observed: 1 variant allele.
Comment: RGPD4: BS2

Ambry Genetics
Classification: Uncertain significance. Last evaluated: 2025-07-31. Review status: criteria provided, single submitter. Criteria: Ambry Variant Classification Scheme 2023. Collection method: clinical testing. Allele origin: germline.

NM_182588.3(RGPD4):c.314G>T (p.Cys105Phe)

Gene: RGPD4 (RANBP2 like and GRIP domain containing 4; plus strand). Cytogenetic location: 2q12.3.
Variant type: single nucleotide variant.
Coding change: c.314G>T on transcript NM_182588.3 (MANE Select); coding-DNA position 314, G replaced by T.
Protein change: p.Cys105Phe; replaces cysteine 105 with phenylalanine.
Molecular consequence: missense variant.
Genome position (GRCh38, 1-based): chr2:107,838,873, G>T. VCF-style: chr2-107838873-G-T. GRCh37 (hg19) VCF-style: chr2-108455329-G-T.
Other names: short protein forms C105F.
Identifiers: ClinVar variation 4153530 (VCV004153530.6).